The following is an entry in ClinVar:

NM_002591.4(PCK1):c.1735A>C (p.Ser579Arg)

Gene: PCK1 (phosphoenolpyruvate carboxykinase 1; plus strand). Cytogenetic location: 20q13.31.
Variant type: single nucleotide variant.
Coding change: c.1735A>C on transcript NM_002591.4 (MANE Select); coding-DNA position 1735, A replaced by C.
Protein change: p.Ser579Arg; replaces serine 579 with arginine.
Molecular consequence: missense variant.
Genome position (GRCh38, 1-based): chr20:57,565,670, A>C. VCF-style: chr20-57565670-A-C. GRCh37 (hg19) VCF-style: chr20-56140726-A-C.
Other names: short protein forms S579R.
Identifiers: ClinVar variation 338895 (VCV000338895.15), dbSNP rs34103538, ClinGen allele CA9922454.

ClinVar aggregate classification (germline): Benign/Likely benign. Review status: criteria provided, multiple submitters, no conflicts (2 of 4 stars). 3 submissions from 3 submitters: Benign (1); Likely benign (2). Last evaluated 2025-11-22.

Conditions:
Phosphoenolpyruvate carboxykinase deficiency, cytosolic (PCKDC). Also called: PCK1 DEFICIENCY, CYTOSOLIC; PEPCK DEFICIENCY, CYTOSOLIC. Identifiers: Orphanet 2880, MedGen C5574905, MONDO:0009866, OMIM 261680.

Allele frequency attached by ClinVar (database versions not stated): gnomAD exomes 0.00227; ExAC 0.00287; gnomAD 0.00842 and 0.00913; 1000 Genomes Project 0.00859; 1000 Genomes Project 30x 0.00874; TOPMed 0.00956; ESP Exome Variant Server 0.01192.

Submissions (3):

Labcorp Genetics (formerly Invitae), Labcorp
Classification: Benign. Last evaluated: 2025-11-22. Review status: criteria provided, single submitter. Criteria: Invitae Variant Classification Sherloc (09022015). Collection method: clinical testing. Allele origin: germline.

Illumina Laboratory Services, Illumina
Classification: Likely benign for Phosphoenolpyruvate carboxykinase deficiency, cytosolic. Last evaluated: 2017-04-27. Review status: criteria provided, single submitter. Criteria: ICSL Variant Classification Criteria 13 December 2019. Collection method: clinical testing. Allele origin: germline.
Comment: This variant was observed as part of a predisposition screen in an ostensibly healthy population. A literature search was performed for the gene, cDNA change, and amino acid change (where applicable). No publications were found based on this search. Allele frequency data from public databases allowed determination this variant is unlikely to cause disease. Therefore, this variant is classified as likely benign.

Breakthrough Genomics
Classification: Likely benign. Review status: criteria provided, single submitter. Criteria: ACMG Guidelines, 2015. Collection method: not provided. Allele origin: germline. Inheritance: Autosomal recessive inheritance. Affected: yes.